The following is an entry in ClinVar:

NM_001232.4(CASQ2):c.562C>T (p.His188Tyr)

Gene: CASQ2 (calsequestrin 2; minus strand). Cytogenetic location: 1p13.1.
Variant type: single nucleotide variant.
Coding change: c.562C>T on transcript NM_001232.4 (MANE Select); coding-DNA position 562, C replaced by T.
Protein change: p.His188Tyr; replaces histidine 188 with tyrosine.
Molecular consequence: missense variant.
Genome position (GRCh38, 1-based): chr1:115,732,945, G>A on the plus strand (C>T on the coding strand, the complement: CASQ2 is on the minus strand). VCF-style: chr1-115732945-G-A. GRCh37 (hg19) VCF-style: chr1-116275566-G-A.
Other names: short protein forms H188Y.
Identifiers: ClinVar variation 1748738 (VCV001748738.3), dbSNP rs2464907689, ClinGen allele CA341769026.
Genomic context (GRCh38, chr1:115,732,945, plus strand): 5'-TTTCATAGGTACTTACCCCTTTGTCAAAGGTGGCAAAGAATTTGATGTAAGGCTGGAAGT[G>A]TTCAGCTGCTTCTTCAAAAGCCTTGTAGTCTAAGGGGAAAAATAAAGATGAAGGGAGAGA-3'
Protein context (NP_001223.2, residues 178-198): YYKAFEEAAE[His188Tyr]FQPYIKFFAT

ClinVar aggregate classification (germline): Uncertain significance (1 of 4 stars; one submission).

Conditions:
Cardiovascular phenotype. Identifiers: MedGen CN230736.

Allele frequency attached by ClinVar (database versions not stated): gnomAD exomes below 0.00001.
gnomAD v4.1: 1 of 1,613,792 alleles (0.000062%); highest among the groups gnomAD compares: Non-Finnish European, 0.000085%; no homozygotes.

Submission:

Ambry Genetics
Classification: Uncertain significance for Cardiovascular phenotype. Last evaluated: 2025-03-23. Review status: criteria provided, single submitter. Criteria: Ambry Variant Classification Scheme 2023. Collection method: clinical testing. Allele origin: germline.
Comment: The p.H188Y variant (also known as c.562C>T), located in coding exon 5 of the CASQ2 gene, results from a C to T substitution at nucleotide position 562. The histidine at codon 188 is replaced by tyrosine, an amino acid with similar properties. This amino acid position is not well conserved in available vertebrate species. In addition, this alteration is predicted to be tolerated by in silico analysis. Since supporting evidence is limited at this time, the clinical significance of this alteration remains unclear.